The following is an entry in ClinVar:

NM_000091.5(COL4A3):c.3026G>T (p.Gly1009Val)

Genes: COL4A3 (collagen type IV alpha 3 chain; plus strand), MFF-DT (MFF divergent transcript; minus strand). Cytogenetic location: 2q36.3.
Variant type: single nucleotide variant.
Coding change: c.3026G>T on transcript NM_000091.5 (MANE Select); coding-DNA position 3026, G replaced by T.
Protein change: p.Gly1009Val; replaces glycine 1009 with valine.
Molecular consequence: missense variant.
Genome position (GRCh38, 1-based): chr2:227,290,044, G>T. VCF-style: chr2-227290044-G-T. GRCh37 (hg19) VCF-style: chr2-228154760-G-T.
Other names: short protein forms G1009V.
Identifiers: ClinVar variation 4879849 (VCV004879849.1).

ClinVar aggregate classification (germline): Likely pathogenic (1 of 4 stars; one submission).

Conditions:
Autosomal dominant Alport syndrome (ATS3A). Also called: Alport syndrome dominant type; Renal failure and sensorineural hearing loss; ALPORT SYNDROME 3A, AUTOSOMAL DOMINANT. Identifiers: Orphanet 63, Orphanet 88918, MedGen C5882663, MONDO:0007086, OMIM 104200.

gnomAD v4.1: 1 of 1,614,180 alleles (0.000062%); highest among the groups gnomAD compares: Non-Finnish European, 0.000085%; no homozygotes.

Submission:

MVZ Medizinische Genetik Mainz
Classification: Likely pathogenic for Autosomal dominant Alport syndrome. Last evaluated: 2026-06-25. Review status: criteria provided, single submitter. Criteria: UK Practice Guidelines For Variant Classification V4 01 2020. Collection method: clinical testing. Allele origin: germline. Inheritance: Autosomal dominant inheritance. Affected: yes. Observed: 1 variant allele.
Comment: ACMG Criteria: PM1_STR,PM2_SUP,PP3